The following is an entry in ClinVar:

ClinVar aggregate classification (germline): Uncertain significance. Review status: criteria provided, multiple submitters, no conflicts (2 of 4 stars). 3 submissions from 3 submitters: Uncertain significance (3). Last evaluated 2023-07-17.

Conditions:
Inborn genetic diseases. Identifiers: MedGen C0950123, MeSH D030342.
Myasthenic syndrome, congenital, 22 (CMS22). Also called: PREPL DEFICIENCY. Identifiers: MedGen C4479088, MONDO:0044299, OMIM 616224.

Allele frequency attached by ClinVar (database versions not stated): TOPMed below 0.00001; ExAC 0.00002; gnomAD exomes 0.00002 and 0.00003.
gnomAD v4.1: 29 of 1,614,170 alleles (0.0018%); highest among the groups gnomAD compares: South Asian, 0.0099%; no homozygotes.

Submissions (3):

Labcorp Genetics (formerly Invitae), Labcorp
Classification: Uncertain significance for Myasthenic syndrome, congenital, 22. Last evaluated: 2023-07-17. Review status: criteria provided, single submitter. Criteria: Invitae Variant Classification Sherloc (09022015). Collection method: clinical testing. Allele origin: germline.
Comment: In summary, the available evidence is currently insufficient to determine the role of this variant in disease. Therefore, it has been classified as a Variant of Uncertain Significance. Advanced modeling of protein sequence and biophysical properties (such as structural, functional, and spatial information, amino acid conservation, physicochemical variation, residue mobility, and thermodynamic stability) performed at Invitae indicates that this missense variant is not expected to disrupt PREPL protein function. ClinVar contains an entry for this variant (Variation ID: 548500). This variant has not been reported in the literature in individuals affected with PREPL-related conditions. This variant is present in population databases (rs780954540, gnomAD 0.01%). This sequence change replaces valine, which is neutral and non-polar, with methionine, which is neutral and non-polar, at codon 563 of the PREPL protein (p.Val563Met).

Ambry Genetics
Classification: Uncertain significance for Inborn genetic diseases. Last evaluated: 2023-07-12. Review status: criteria provided, single submitter. Criteria: Ambry Variant Classification Scheme 2023. Collection method: clinical testing. Allele origin: germline.

Genomic Research Center, Shahid Beheshti University of Medical Sciences
Classification: Uncertain significance for Myasthenic syndrome, congenital, 22. Last evaluated: 2018-03-05. Review status: criteria provided, single submitter. Criteria: ACMG Guidelines, 2015. Collection method: clinical testing. Allele origin: inherited. Affected: no. Observed: 1 variant allele.

NM_001171613.2(PREPL):c.1420G>A (p.Val474Met)

Gene: PREPL (prolyl endopeptidase like; minus strand). Cytogenetic location: 2p21.
Variant type: single nucleotide variant.
Coding change: c.1420G>A on transcript NM_001171613.2 (MANE Select); coding-DNA position 1420, G replaced by A.
Protein change: p.Val474Met; replaces valine 474 with methionine.
Molecular consequence: missense variant.
Genome position (GRCh38, 1-based): chr2:44,326,771, C>T on the plus strand (G>A on the coding strand, the complement: PREPL is on the minus strand). VCF-style: chr2-44326771-C-T. GRCh37 (hg19) VCF-style: chr2-44553910-C-T.
Other names: c.1687G>A, p.Val563Met (NM_006036.4, NM_001171603.1, NM_001171606.2 and 2 more transcripts); c.1501G>A, p.Val501Met (NM_001042385.2); c.1489G>A, p.Val497Met (NM_001042386.2); c.1420G>A, p.Val474Met (NM_001171617.1, NM_001374277.1); short protein forms V563M, V474M, V497M, V501M.
Identifiers: ClinVar variation 548500 (VCV000548500.16), dbSNP rs780954540, ClinGen allele CA1641120.